The following is an entry in ClinVar:

NM_000143.4(FH):c.934T>G (p.Phe312Val)

Gene: FH (fumarate hydratase; minus strand). Cytogenetic location: 1q43.
Variant type: single nucleotide variant.
Coding change: c.934T>G on transcript NM_000143.4 (MANE Select); coding-DNA position 934, T replaced by G.
Protein change: p.Phe312Val; replaces phenylalanine 312 with valine.
Molecular consequence: missense variant.
Genome position (GRCh38, 1-based): chr1:241,504,216, A>C on the plus strand (T>G on the coding strand, the complement: FH is on the minus strand). VCF-style: chr1-241504216-A-C. GRCh37 (hg19) VCF-style: chr1-241667516-A-C.
Other names: short protein forms F312V.
Identifiers: ClinVar variation 1523717 (VCV001523717.7), dbSNP rs863224000, ClinGen allele CA345438379.

ClinVar aggregate classification (germline): Likely pathogenic. Review status: criteria provided, multiple submitters, no conflicts (2 of 4 stars). 2 submissions from 2 submitters: Likely pathogenic (2). Last evaluated 2024-09-06.

Conditions:
Hereditary leiomyomatosis and renal cell cancer. Also called: FH tumor predisposition syndrome; MULTIPLE CUTANEOUS AND UTERINE LEIOMYOMATA 1, WITH OR WITHOUT RENAL CELL CARCINOMA; LEIOMYOMA, MULTIPLE CUTANEOUS; Reed syndrome; Multiple cutaneous and uterine leiomyomatosis; Cutaneous leiomyomata with uterine leiomyomata. Identifiers: Orphanet 523, MedGen C1708350, MONDO:0007888, OMIM 150800, HP:0007437. Disease mechanism: loss of function.

Submissions (2):

Institute of Medical Genetics and Applied Genomics, University Hospital Tübingen
Classification: Likely pathogenic for Hereditary leiomyomatosis and renal cell cancer. Last evaluated: 2024-09-06. Review status: criteria provided, single submitter. Criteria: ACMG Guidelines, 2015. Collection method: clinical testing. Allele origin: germline. Inheritance: Autosomal dominant inheritance. Affected: yes.

Labcorp Genetics (formerly Invitae), Labcorp
Classification: Likely pathogenic. Last evaluated: 2021-08-19. Review status: criteria provided, single submitter. Criteria: Invitae Variant Classification Sherloc (09022015). Collection method: clinical testing. Allele origin: germline.
Comment: This sequence change replaces phenylalanine with valine at codon 312 of the FH protein (p.Phe312Val). The phenylalanine residue is highly conserved and there is a small physicochemical difference between phenylalanine and valine. This variant is not present in population databases (ExAC no frequency). This variant has not been reported in the literature in individuals affected with FH-related conditions. Advanced modeling of protein sequence and biophysical properties (such as structural, functional, and spatial information, amino acid conservation, physicochemical variation, residue mobility, and thermodynamic stability) performed at Invitae indicates that this missense variant is expected to disrupt FH protein function. Algorithms developed to predict the effect of sequence changes on RNA splicing suggest that this variant may create or strengthen a splice site. This variant disrupts the p.Phe312 amino acid residue in FH. Other variant(s) that disrupt this residue have been determined to be pathogenic (PMID: 9635293, 21398687; Invitae). This suggests that this residue is clinically significant, and that variants that disrupt this residue are likely to be disease-causing. In summary, the currently available evidence indicates that the variant is pathogenic, but additional data are needed to prove that conclusively. Therefore, this variant has been classified as Likely Pathogenic.

Literature cited by the submitters: PubMed 9635293 (cited by Labcorp Genetics (formerly Invitae), Labcorp); PubMed 21398687 (cited by Labcorp Genetics (formerly Invitae), Labcorp).